The following is an entry in ClinVar:

NM_000458.4(HNF1B):c.324_340del (p.Glu109fs)

Gene: HNF1B (HNF1 homeobox B; minus strand). Cytogenetic location: 17q12.
Variant type: Deletion.
Coding change: c.324_340del on transcript NM_000458.4 (MANE Select); coding-DNA positions 324 to 340, 17 bases deleted (GGAGGTGGACCGGATGC).
Protein change: p.Glu109fs; shifts the reading frame from glutamic acid 109.
Molecular consequence: frameshift variant.
Genome position (GRCh38, 1-based): chr17:37,744,545-37,744,561, GCATCCGGTCCACCTCC deleted on the plus strand (GGAGGTGGACCGGATGC on the coding strand, the reverse complement: HNF1B is on the minus strand); deleting any 17 consecutive bases within chr17:37,744,545-37,744,563 gives the same sequence; the c. name uses the placement nearest the transcript's 3' end. VCF-style (leftmost placement, unchanged base first): chr17-37744544-AGCATCCGGTCCACCTCC-A. GRCh37 (hg19) VCF-style: chr17-36104535-AGCATCCGGTCCACCTCC-A.
Other names: c.324_340del, p.Glu109fs (NM_001165923.4, NM_001304286.2); short protein forms E109fs.
Identifiers: ClinVar variation 635714 (VCV000635714.2), dbSNP rs1598854261, ClinGen allele CA913190799.

ClinVar aggregate classification (germline): Pathogenic. Review status: criteria provided, multiple submitters, no conflicts (2 of 4 stars). 2 submissions from 2 submitters: Pathogenic (2). Last evaluated 2019-07-06.

Conditions:
Maturity-onset diabetes of the young (MODY). Also called: Maturity onset diabetes mellitus in young. Identifiers: Orphanet 552, MedGen C0342276, MONDO:0018911, HP:0004904.
Renal cysts and diabetes syndrome (RCAD). Also called: Familial hypoplastic, glomerulocystic kidney; MATURITY-ONSET DIABETES OF THE YOUNG, TYPE 5. Identifiers: Orphanet 93111, MedGen C0431693, MONDO:0007669, OMIM 137920.

Submissions (2):

Institute of Human Genetics, FAU Erlangen, Friedrich-Alexander-Universität Erlangen-Nürnberg
Classification: Pathogenic for Renal cysts and diabetes syndrome. Last evaluated: 2019-07-06. Review status: criteria provided, single submitter. Criteria: ACMG Guidelines, 2015. Collection method: literature only. Allele origin: germline. Affected: yes.
Comment: This variant and it's classification has been reported by Vasileiou et al. 2019; DOI:10.1101/576918. The variants has previously been reported in PMID:28420700; PMID:27297286 as "c.324_340del,p.Ala108fs; c.324_340del, p.Glu109Glnfs*2 Exon 1 frameshift" with clinical significance Pathogenic. It has been re-classified using InterVar and manual curation as Pathogenic based on PVS1 PM2 PP3.

Clinical Genomics, Uppaluri K&H Personalized Medicine Clinic
Classification: Pathogenic for Maturity-onset diabetes of the young. Review status: criteria provided, single submitter. Criteria: K & H Uppaluri Personalized Medicine Clinic Variant Classification & Assertion Criteria_Updated V.1. Collection method: research. Allele origin: unknown. Inheritance: Autosomal dominant inheritance.
Comment: HNF1B gene mutations are associated with early onset diabetes and pancreatic atrophy. It is also associated with multiple renal manifestations including renal cysts, Tubulointerstitial disease, glomerulocystic disease, renal hypoplasia, hypomagnesemia. However no sufficient evidence is found to ascertain the role of this particular variant rs1598854261, yet.

Literature cited by the submitters: PubMed 28420700 (cited by Institute of Human Genetics, FAU Erlangen, Friedrich-Alexander-Universität Erlangen-Nürnberg); PubMed 27297286 (cited by Institute of Human Genetics, FAU Erlangen, Friedrich-Alexander-Universität Erlangen-Nürnberg); DOI 10.1101/576918 (cited by Institute of Human Genetics, FAU Erlangen, Friedrich-Alexander-Universität Erlangen-Nürnberg); PubMed 24897035 (cited by Clinical Genomics, Uppaluri K&H Personalized Medicine Clinic); PubMed 25536396 (cited by Clinical Genomics, Uppaluri K&H Personalized Medicine Clinic); PubMed 27615128 (cited by Clinical Genomics, Uppaluri K&H Personalized Medicine Clinic); PubMed 28215227 (cited by Clinical Genomics, Uppaluri K&H Personalized Medicine Clinic); PubMed 33434175 (cited by Clinical Genomics, Uppaluri K&H Personalized Medicine Clinic); PubMed 25741167 (cited by Clinical Genomics, Uppaluri K&H Personalized Medicine Clinic); PubMed 26340261 (cited by Clinical Genomics, Uppaluri K&H Personalized Medicine Clinic); PubMed 19639018 (cited by Clinical Genomics, Uppaluri K&H Personalized Medicine Clinic).